The following is an entry in ClinVar:

NM_003079.5(SMARCE1):c.488G>T (p.Arg163Leu)

Gene: SMARCE1 (SWI/SNF related BAF chromatin remodeling complex subunit E1; minus strand). Cytogenetic location: 17q21.2.
Variant type: single nucleotide variant.
Coding change: c.488G>T on transcript NM_003079.5 (MANE Select); coding-DNA position 488, G replaced by T.
Protein change: p.Arg163Leu; replaces arginine 163 with leucine.
Molecular consequence: missense variant.
Genome position (GRCh38, 1-based): chr17:40,635,984, C>A on the plus strand (G>T on the coding strand, the complement: SMARCE1 is on the minus strand). VCF-style: chr17-40635984-C-A. GRCh37 (hg19) VCF-style: chr17-38792236-C-A.
Other names: short protein forms R163L.
Identifiers: ClinVar variation 3665666 (VCV003665666.3).
Genomic context (GRCh38, chr17:40,635,984, plus strand): 5'-CTTTTACCATCTGGATCTTCAGCAGGCTGAATGCTCATGTACGGTTCTCCTTTCTCCATG[C>A]GAGATTGTCTCTGTCGACTTTCTTCCTCTAAAGCAGCTTCTGCACGACTTTTTGCATTTA-3'
Protein context (NP_003070.3, residues 153-173): LEEESRQRQS[Arg163Leu]MEKGEPYMSI

ClinVar aggregate classification (germline): Uncertain significance. Review status: criteria provided, multiple submitters, no conflicts (2 of 4 stars). 2 submissions from 2 submitters: Uncertain significance (2). Last evaluated 2026-05-04.

Conditions:
Familial meningioma. Also called: Meningioma, familial, susceptibility to. Identifiers: Orphanet 263662, MedGen C3551915, MONDO:0011789, OMIM 607174.
Hereditary cancer-predisposing syndrome. Also called: Hereditary neoplastic syndrome; Tumor predisposition; Hereditary Cancer Syndrome; Neoplastic Syndromes, Hereditary. Identifiers: Orphanet 140162, MedGen C0027672, MeSH D009386, MONDO:0015356.

gnomAD v4.1: 1 of 1,613,412 alleles (0.000062%); highest among the groups gnomAD compares: Non-Finnish European, 0.000085%; no homozygotes.

Submissions (2):

Ambry Genetics
Classification: Uncertain significance for Hereditary cancer-predisposing syndrome. Last evaluated: 2026-05-04. Review status: criteria provided, single submitter. Criteria: Ambry Variant Classification Scheme 2023. Collection method: clinical testing. Allele origin: germline.
Comment: The p.R163L variant (also known as c.488G>T), located in coding exon 6 of the SMARCE1 gene, results from a G to T substitution at nucleotide position 488. The arginine at codon 163 is replaced by leucine, an amino acid with dissimilar properties. This amino acid position is conserved. In addition, the in silico prediction for this alteration is inconclusive. Based on the available evidence, the clinical significance of this variant remains unclear.

Labcorp Genetics (formerly Invitae), Labcorp
Classification: Uncertain significance for Familial meningioma. Last evaluated: 2024-02-11. Review status: criteria provided, single submitter. Criteria: Invitae Variant Classification Sherloc (09022015). Collection method: clinical testing. Allele origin: germline.
Comment: This sequence change replaces arginine, which is basic and polar, with leucine, which is neutral and non-polar, at codon 163 of the SMARCE1 protein (p.Arg163Leu). This variant is present in population databases (rs762623799, gnomAD 0.0009%). This variant has not been reported in the literature in individuals affected with SMARCE1-related conditions. Advanced modeling of protein sequence and biophysical properties (such as structural, functional, and spatial information, amino acid conservation, physicochemical variation, residue mobility, and thermodynamic stability) performed at Invitae indicates that this missense variant is expected to disrupt SMARCE1 protein function with a positive predictive value of 80%. In summary, the available evidence is currently insufficient to determine the role of this variant in disease. Therefore, it has been classified as a Variant of Uncertain Significance.